The following is an entry in ClinVar:

ClinVar aggregate classification (germline): Uncertain significance. Review status: criteria provided, multiple submitters, no conflicts (2 of 4 stars). 2 submissions from 2 submitters: Uncertain significance (2). Last evaluated 2025-04-28.

Conditions:
Glycogen storage disease, type V (GSD5). Also called: McArdle type glycogen storage disease; MCARDLE DISEASE; MUSCLE GLYCOGEN PHOSPHORYLASE DEFICIENCY; MYOPHOSPHORYLASE DEFICIENCY; PYGM DEFICIENCY. Identifiers: Orphanet 368, MedGen C0017924, MONDO:0009293, OMIM 232600.
Inborn genetic diseases. Identifiers: MedGen C0950123, MeSH D030342.

Allele frequency attached by ClinVar (database versions not stated): ExAC 0.00001; gnomAD 0.00001; gnomAD exomes 0.00003; TOPMed 0.00003.

Submissions (2):

Ambry Genetics
Classification: Uncertain significance for Inborn genetic diseases. Last evaluated: 2025-04-28. Review status: criteria provided, single submitter. Criteria: Ambry Variant Classification Scheme 2023. Collection method: clinical testing. Allele origin: germline.

Labcorp Genetics (formerly Invitae), Labcorp
Classification: Uncertain significance for Glycogen storage disease, type V. Last evaluated: 2022-11-01. Review status: criteria provided, single submitter. Criteria: Invitae Variant Classification Sherloc (09022015). Collection method: clinical testing. Allele origin: germline.
Comment: This sequence change replaces valine, which is neutral and non-polar, with alanine, which is neutral and non-polar, at codon 334 of the PYGM protein (p.Val334Ala). The frequency data for this variant in the population databases is considered unreliable, as metrics indicate poor data quality at this position in the gnomAD database. This variant has not been reported in the literature in individuals affected with PYGM-related conditions. Algorithms developed to predict the effect of missense changes on protein structure and function are either unavailable or do not agree on the potential impact of this missense change (SIFT: "Not Available"; PolyPhen-2: "Probably Damaging"; Align-GVGD: "Not Available"). In summary, the available evidence is currently insufficient to determine the role of this variant in disease. Therefore, it has been classified as a Variant of Uncertain Significance.

NM_005609.4(PYGM):c.1001T>C (p.Val334Ala)

Gene: PYGM (glycogen phosphorylase, muscle associated; minus strand). Cytogenetic location: 11q13.1.
Variant type: single nucleotide variant.
Coding change: c.1001T>C on transcript NM_005609.4 (MANE Select); coding-DNA position 1001, T replaced by C.
Protein change: p.Val334Ala; replaces valine 334 with alanine.
Molecular consequence: missense variant.
Genome position (GRCh38, 1-based): chr11:64,754,344, A>G on the plus strand (T>C on the coding strand, the complement: PYGM is on the minus strand). VCF-style: chr11-64754344-A-G. GRCh37 (hg19) VCF-style: chr11-64521816-A-G.
Other names: c.1001T>C (NM_005609.2); c.737T>C, p.Val246Ala (NM_001164716.1); short protein forms V334A, V246A.
Identifiers: ClinVar variation 2193697 (VCV002193697.4), dbSNP rs756085033, ClinGen allele CA6080032.